The following is an entry in ClinVar:

ClinVar aggregate classification (germline): Uncertain significance. Review status: criteria provided, multiple submitters, no conflicts (2 of 4 stars). 2 submissions from 2 submitters: Uncertain significance (2). Last evaluated 2025-06-20.

Conditions:
KRT5-related disorder. Also called: KRT5-related condition.

gnomAD v4.1: 18 of 1,614,066 alleles (0.0011%); highest among the groups gnomAD compares: Middle Eastern, 0.033%; no homozygotes.

Submissions (2):

PreventionGenetics, part of Exact Sciences
Classification: Uncertain significance for KRT5-related condition. Last evaluated: 2025-06-20. Review status: criteria provided, single submitter. Criteria: ACMG Guidelines, 2015. Collection method: clinical testing. Allele origin: germline.
Comment: The KRT5 c.1214A>G variant is predicted to result in the amino acid substitution p.Lys405Arg. To our knowledge, this variant has not been reported in the literature. This variant is reported in 0.0054% of alleles in individuals of European (Non-Finnish) descent in gnomAD. At this time, the clinical significance of this variant is uncertain due to the absence of conclusive functional and genetic evidence.

Blueprint Genetics
Classification: Uncertain significance. Last evaluated: 2024-09-13. Review status: criteria provided, single submitter. Criteria: ACMG Guidelines, 2015. Collection method: clinical testing. Allele origin: germline.

NM_000424.4(KRT5):c.1214A>G (p.Lys405Arg)

Genes: KRT5 (keratin 5; minus strand), LOC126861525 (BRD4-independent group 4 enhancer GRCh37_chr12:52909857-52911056; plus strand). Cytogenetic location: 12q13.13.
Variant type: single nucleotide variant.
Coding change: c.1214A>G on transcript NM_000424.4 (MANE Select); coding-DNA position 1214, A replaced by G.
Protein change: p.Lys405Arg; replaces lysine 405 with arginine.
Molecular consequence: missense variant.
Genome position (GRCh38, 1-based): chr12:52,517,111, T>C on the plus strand (A>G on the coding strand, the complement: KRT5 is on the minus strand). VCF-style: chr12-52517111-T-C. GRCh37 (hg19) VCF-style: chr12-52910895-T-C.
Other names: c.1214A>G (NM_000424.3); short protein forms K405R.
Identifiers: ClinVar variation 4916979 (VCV004916979.2).